The following is an entry in ClinVar:

ClinVar aggregate classification (germline): Uncertain significance (1 of 4 stars; one submission).

Conditions:
Inborn genetic diseases. Identifiers: MedGen C0950123, MeSH D030342.

Submission:

Ambry Genetics
Classification: Uncertain significance for Inborn genetic diseases. Last evaluated: 2026-02-16. Review status: criteria provided, single submitter. Criteria: Ambry Variant Classification Scheme 2023. Collection method: clinical testing. Allele origin: germline.
Comment: The p.S308N variant (also known as c.923G>A), located in coding exon 3 of the MBD4 gene, results from a G to A substitution at nucleotide position 923. The serine at codon 308 is replaced by asparagine, an amino acid with highly similar properties. This amino acid position is conserved. In addition, this alteration is predicted to be tolerated by in silico analysis. Based on the available evidence, the clinical significance of this variant remains unclear.

NM_001276270.2(MBD4):c.923G>A (p.Ser308Asn)

Gene: MBD4 (methyl-CpG binding domain 4, DNA glycosylase; minus strand). Cytogenetic location: 3q21.3.
Variant type: single nucleotide variant.
Coding change: c.923G>A on transcript NM_001276270.2 (MANE Select); coding-DNA position 923, G replaced by A.
Protein change: p.Ser308Asn; replaces serine 308 with asparagine.
Molecular consequence: missense variant. On other transcripts: intron variant (1).
Genome position (GRCh38, 1-based): chr3:129,436,721, C>T on the plus strand (G>A on the coding strand, the complement: MBD4 is on the minus strand). VCF-style: chr3-129436721-C-T. GRCh37 (hg19) VCF-style: chr3-129155564-C-T.
Other names: c.923G>A, p.Ser308Asn (NM_001276272.2, NM_003925.3, NM_001276271.2); c.247+1087G>A (NM_001276273.2); short protein forms S308N.
Identifiers: ClinVar variation 4825715 (VCV004825715.1).